The following is an entry in ClinVar:

ClinVar aggregate classification (germline): Uncertain significance (1 of 4 stars; one submission).

Allele frequency attached by ClinVar (database versions not stated): gnomAD exomes below 0.00001; TOPMed below 0.00001.
gnomAD v4.1: 2 of 1,609,908 alleles (0.00012%); highest among the groups gnomAD compares: Non-Finnish European, 0.00017%; no homozygotes.

Submission:

Labcorp Genetics (formerly Invitae), Labcorp
Classification: Uncertain significance. Last evaluated: 2022-10-17. Review status: criteria provided, single submitter. Criteria: Invitae Variant Classification Sherloc (09022015). Collection method: clinical testing. Allele origin: germline.
Comment: Advanced modeling of protein sequence and biophysical properties (such as structural, functional, and spatial information, amino acid conservation, physicochemical variation, residue mobility, and thermodynamic stability) performed at Invitae indicates that this missense variant is not expected to disrupt C5 protein function. This variant has not been reported in the literature in individuals affected with C5-related conditions. This variant is not present in population databases (gnomAD no frequency). This sequence change replaces phenylalanine, which is neutral and non-polar, with serine, which is neutral and polar, at codon 50 of the C5 protein (p.Phe50Ser). In summary, the available evidence is currently insufficient to determine the role of this variant in disease. Therefore, it has been classified as a Variant of Uncertain Significance.

NM_001735.3(C5):c.149T>C (p.Phe50Ser)

Gene: C5 (complement C5; minus strand). Cytogenetic location: 9q33.2.
Variant type: single nucleotide variant.
Coding change: c.149T>C on transcript NM_001735.3 (MANE Select); coding-DNA position 149, T replaced by C.
Protein change: p.Phe50Ser; replaces phenylalanine 50 with serine.
Molecular consequence: missense variant.
Genome position (GRCh38, 1-based): chr9:121,046,300, A>G on the plus strand (T>C on the coding strand, the complement: C5 is on the minus strand). VCF-style: chr9-121046300-A-G. GRCh37 (hg19) VCF-style: chr9-123808578-A-G.
Other names: c.167T>C, p.Phe56Ser (NM_001317163.2); c.149T>C, p.Phe50Ser (NM_001317164.2); short protein forms F56S, F50S.
Identifiers: ClinVar variation 1975345 (VCV001975345.5), dbSNP rs2047627038, ClinGen allele CA374732639.